The following is an entry in ClinVar:

ClinVar aggregate classification (germline): Uncertain significance (1 of 4 stars; one submission).

gnomAD v4.1: 1 of 1,588,182 alleles (0.000063%); no homozygotes.

Submission:

GeneDx
Classification: Uncertain significance. Last evaluated: 2025-02-10. Review status: criteria provided, single submitter. Criteria: GeneDx Variant Classification Process June 2021. Collection method: clinical testing. Allele origin: germline. Affected: yes.
Comment: Not observed at significant frequency in large population cohorts (gnomAD); In silico analysis supports that this missense variant has a deleterious effect on protein structure/function; Has not been previously published as pathogenic or benign to our knowledge

NM_001750.7(CAST):c.1928C>T (p.Thr643Ile)

Genes: CAST (calpastatin; plus strand), ERAP1 (endoplasmic reticulum aminopeptidase 1; minus strand). Cytogenetic location: 5q15.
Variant type: single nucleotide variant.
Coding change: c.1928C>T on transcript NM_001750.7 (MANE Select); coding-DNA position 1928, C replaced by T.
Protein change: p.Thr643Ile; replaces threonine 643 with isoleucine.
Molecular consequence: missense variant. On other transcripts: non-coding transcript variant (1), 3 prime UTR variant (2).
Genome position (GRCh38, 1-based): chr5:96,762,368, C>T. VCF-style: chr5-96762368-C-T. GRCh37 (hg19) VCF-style: chr5-96098072-C-T.
Other names: c.1556C>T, p.Thr519Ile (NM_001042444.3, NM_001284212.4); c.1574C>T, p.Thr525Ile (NM_001042445.3, NM_001423255.1, NM_001423256.1 and 3 more transcripts); c.1517C>T, p.Thr506Ile (NM_001042446.3, NM_001423260.1, NM_001330630.2); c.1640C>T, p.Thr547Ile (NM_001190442.2, NM_001423251.1, NM_001423252.1 and 1 more transcripts); c.1463C>T, p.Thr488Ile (NM_001284213.4); c.1832C>T, p.Thr611Ile (NM_001330626.2); c.1805C>T, p.Thr602Ile (NM_001330627.2, NM_001042440.5); c.1760C>T, p.Thr587Ile (NM_001330628.2); and 9 more; short protein forms T488I, T506I, T519I, T525I, T528I, T538I, T541I, T547I.
Identifiers: ClinVar variation 4074511 (VCV004074511.1).
Genomic context (GRCh38, chr5:96,762,368, plus strand): 5'-CTGAAGTGGTTTCCCAAACCCCAGCTTCAACGACCCAAGCTGGAGCCCCACCCCGTGATA[C>T]CTCGGTAAGCAGCACATCTTATTTGGGAGATAAATGTTTTTGCGCAGCCACAACTAGAAA-3'
Protein context (NP_001741.4, residues 633-653): TTQAGAPPRD[Thr643Ile]SQSDKDLDDA